The following is an entry in ClinVar:

NM_024592.5(SRD5A3):c.825A>C (p.Leu275Phe)

Genes: SRD5A3 (steroid 5 alpha-reductase 3; plus strand), SRD5A3-AS1 (SRD5A3 antisense RNA 1; minus strand). Cytogenetic location: 4q12.
Variant type: single nucleotide variant.
Coding change: c.825A>C on transcript NM_024592.5 (MANE Select); coding-DNA position 825, A replaced by C.
Protein change: p.Leu275Phe; replaces leucine 275 with phenylalanine.
Molecular consequence: missense variant.
Genome position (GRCh38, 1-based): chr4:55,369,959, A>C. VCF-style: chr4-55369959-A-C. GRCh37 (hg19) VCF-style: chr4-56236126-A-C.
Other names: short protein forms L275F.
Identifiers: ClinVar variation 1307539 (VCV001307539.2), dbSNP rs2109489001, ClinGen allele CA356958289.

ClinVar aggregate classification (germline): Uncertain significance (1 of 4 stars; one submission).

Submission:

GeneDx
Classification: Uncertain significance. Last evaluated: 2019-08-02. Review status: criteria provided, single submitter. Criteria: GeneDx Variant Classification Process June 2021. Collection method: clinical testing. Allele origin: germline. Affected: yes.
Comment: Not observed in large population cohorts (Lek et al., 2016); In silico analysis, which includes protein predictors and evolutionary conservation, supports that this variant does not alter protein structure/function; Has not been previously published as pathogenic or benign to our knowledge